The following is an entry in ClinVar:

NM_153240.5(NPHP3):c.2132A>G (p.Asn711Ser)

Genes: NPHP3 (nephrocystin 3; minus strand), NPHP3-ACAD11 (NPHP3-ACAD11 readthrough (NMD candidate); minus strand). Cytogenetic location: 3q22.1.
Variant type: single nucleotide variant.
Coding change: c.2132A>G on transcript NM_153240.5 (MANE Select); coding-DNA position 2132, A replaced by G.
Protein change: p.Asn711Ser; replaces asparagine 711 with serine.
Molecular consequence: missense variant. On other transcripts: non-coding transcript variant (1).
Genome position (GRCh38, 1-based): chr3:132,696,770, T>C on the plus strand (A>G on the coding strand, the complement: NPHP3 is on the minus strand). VCF-style: chr3-132696770-T-C. GRCh37 (hg19) VCF-style: chr3-132415614-T-C.
Other names: p.Asn711Ser; short protein forms N711S.
Identifiers: ClinVar variation 697112 (VCV000697112.19), dbSNP rs117872197, ClinGen allele CA2622107.

ClinVar aggregate classification (germline): Conflicting classifications of pathogenicity. Review status: criteria provided, conflicting classifications (1 of 4 stars). 8 submissions from 6 submitters: Uncertain significance (2); Benign (3); Likely benign (2). 1 of the submissions does not count toward it. Last evaluated 2026-01-28.

Conditions:
Atypical hemolytic-uremic syndrome. Identifiers: Orphanet 2134, MedGen C2931788, MONDO:0016244.
Nephronophthisis. Also called: Juvenile Nephronophthisis. Identifiers: Orphanet 655, MedGen C0687120, MONDO:0019005, HP:0000090.
NPHP3-related disorder. Also called: NPHP3-related disorders; NPHP3-related condition. Identifiers: MedGen CN379163.
NPHP3-related Meckel-like syndrome. Also called: GOLDSTON SYNDROME; Meckel syndrome type 7. Identifiers: Orphanet 3032, MedGen C2673885, MONDO:0009966, OMIM 267010.
Renal-hepatic-pancreatic dysplasia 1 (RHPD1). Identifiers: MedGen C3715199, MONDO:0008833, OMIM 208540.
Nephronophthisis 3 (NPHP3). Also called: Adolescent nephronophthisis. Identifiers: Orphanet 655, MedGen C1858392, MONDO:0011456, OMIM 604387.

Allele frequency attached by ClinVar (database versions not stated): gnomAD 0.00011 and 0.00019; TOPMed 0.00037; ExAC 0.00080; 1000 Genomes Project 30x 0.00172; 1000 Genomes Project 0.00180.
gnomAD v4.1: 361 of 1,614,180 alleles (0.022%); highest among the groups gnomAD compares: East Asian, 0.73%; 2 homozygotes.

Submissions (8):

Labcorp Genetics (formerly Invitae), Labcorp
Classification: Benign for Nephronophthisis. Last evaluated: 2026-01-28. Review status: criteria provided, single submitter. Criteria: Invitae Variant Classification Sherloc (09022015). Collection method: clinical testing. Allele origin: germline.

Mayo Clinic Laboratories, Mayo Clinic
Classification: Likely benign. Last evaluated: 2025-08-12. Review status: criteria provided, single submitter. Criteria: ACMG Guidelines, 2015. Collection method: clinical testing. Allele origin: germline. Observed: 1 variant allele.
Comment: BA1, BP4_moderate

Blueprint Genetics
Classification: Likely benign. Last evaluated: 2024-10-03. Review status: criteria provided, single submitter. Criteria: ACMG Guidelines, 2015. Collection method: clinical testing. Allele origin: germline.

Genome Diagnostics Laboratory, The Hospital for Sick Children
Classification: Uncertain significance for Atypical hemolytic-uremic syndrome. Last evaluated: 2018-01-01. Review status: criteria provided, single submitter. Criteria: ACMG Guidelines, 2015. Collection method: clinical testing. Allele origin: germline.

Illumina Laboratory Services, Illumina
Classification: Uncertain significance for NPHP3-related Meckel-like syndrome. Last evaluated: 2017-04-27. Review status: criteria provided, single submitter. Criteria: ICSL Variant Classification Criteria 13 December 2019. Collection method: clinical testing. Allele origin: germline.

Illumina Laboratory Services, Illumina
Classification: Benign for Nephronophthisis 3. Last evaluated: 2017-04-27. Review status: criteria provided, single submitter. Criteria: ICSL Variant Classification Criteria 13 December 2019. Collection method: clinical testing. Allele origin: germline.
Comment: This variant was observed as part of a predisposition screen in an ostensibly healthy population. A literature search was performed for the gene, cDNA change, and amino acid change (where applicable). Publications were found based on this search. The evidence from the literature, in combination with allele frequency data from public databases where available, was sufficient to rule this variant out of causing disease. Therefore, this variant is classified as benign.

Illumina Laboratory Services, Illumina
Classification: Benign for Renal-hepatic-pancreatic dysplasia 1. Last evaluated: 2017-04-27. Review status: criteria provided, single submitter. Criteria: ICSL Variant Classification Criteria 13 December 2019. Collection method: clinical testing. Allele origin: germline.
Comment: This variant was observed as part of a predisposition screen in an ostensibly healthy population. A literature search was performed for the gene, cDNA change, and amino acid change (where applicable). No publications were found based on this search. Allele frequency data from public databases was too high to be consistent with this variant causing disease. Therefore, this variant is classified as benign.

PreventionGenetics, part of Exact Sciences
Classification: Likely benign for NPHP3-related condition. Last evaluated: 2024-05-08. Review status: no assertion criteria provided. Collection method: clinical testing. Allele origin: germline. Not counted in ClinVar's aggregate classification.
Comment: This variant is classified as likely benign based on ACMG/AMP sequence variant interpretation guidelines (Richards et al. 2015 PMID: 25741868, with internal and published modifications).

Literature cited by the submitters: PubMed 26184788 (cited by Illumina Laboratory Services, Illumina).